The following is an entry in ClinVar:

NM_016599.5(MYOZ2):c.343C>T (p.Arg115Ter)

Gene: MYOZ2 (myozenin 2; plus strand). Cytogenetic location: 4q26.
Variant type: single nucleotide variant.
Coding change: c.343C>T on transcript NM_016599.5 (MANE Select); coding-DNA position 343, C replaced by T.
Protein change: p.Arg115Ter; replaces arginine 115 with a stop codon.
Molecular consequence: nonsense.
Genome position (GRCh38, 1-based): chr4:119,158,118, C>T. VCF-style: chr4-119158118-C-T. GRCh37 (hg19) VCF-style: chr4-120079273-C-T.
Other names: p.Arg115*; short protein forms R115*.
Identifiers: ClinVar variation 412240 (VCV000412240.14), dbSNP rs374655743, ClinGen allele CA3058600.

ClinVar aggregate classification (germline): Uncertain significance. Review status: criteria provided, multiple submitters, no conflicts (2 of 4 stars). 5 submissions from 5 submitters: Uncertain significance (5). Last evaluated 2025-06-18.

Conditions:
Cardiovascular phenotype. Identifiers: MedGen CN230736.
Hypertrophic cardiomyopathy. Also called: HYPERTROPHIC MYOCARDIOPATHY. Identifiers: Orphanet 217569, MedGen C0007194, MeSH D002312, MONDO:0005045, HP:0001639.
Hypertrophic cardiomyopathy 16. Identifiers: MedGen C3151204, MONDO:0013455, OMIM 613838.
Cardiomyopathy (CMYO). Also called: Cardiomyopathies. Identifiers: Orphanet 167848, MedGen C0878544, MONDO:0004994, HP:0001638. Inheritance: Various modes of inheritance.

Allele frequency attached by ClinVar (database versions not stated): gnomAD exomes 0.00002 and 0.00005; gnomAD 0.00002 and 0.00001; TOPMed 0.00002; ExAC 0.00005; ESP Exome Variant Server 0.00008.
gnomAD v4.1: 30 of 1,613,928 alleles (0.0019%); highest among the groups gnomAD compares: East Asian, 0.0067%; no homozygotes.

Submissions (5):

Labcorp Genetics (formerly Invitae), Labcorp
Classification: Uncertain significance for Hypertrophic cardiomyopathy. Last evaluated: 2025-06-18. Review status: criteria provided, single submitter. Criteria: Invitae Variant Classification Sherloc (09022015). Collection method: clinical testing. Allele origin: germline.
Comment: This sequence change creates a premature translational stop signal (p.Arg115*) in the MYOZ2 gene. It is expected to result in an absent or disrupted protein product. However, the current clinical and genetic evidence is not sufficient to establish whether loss-of-function variants in MYOZ2 cause disease. This variant is present in population databases (rs374655743, gnomAD 0.01%). This premature translational stop signal has been observed in individual(s) with hypertrophic cardiomyopathy (PMID: 31110529). ClinVar contains an entry for this variant (Variation ID: 412240). Algorithms developed to predict the effect of sequence changes on RNA splicing suggest that this variant may disrupt the consensus splice site. In summary, the available evidence is currently insufficient to determine the role of this variant in disease. Therefore, it has been classified as a Variant of Uncertain Significance.

Petrovsky National Research Centre of Surgery, The Federal Agency for Scientific Organizations
Classification: Uncertain significance for Cardiomyopathy. Last evaluated: 2023-07-12. Review status: criteria provided, single submitter. Criteria: ACMG Guidelines, 2015. Collection method: clinical testing. Allele origin: germline. Affected: yes.
Comment: This variant is in The Genome Aggregation Database (gnomAD) v2.1.1 with total MAF 0.00005306 (Date of access 12-07-2023). Clinvar contains entry on this variant (Variation ID: 412240). This variant has been reported in 1 patient with Cardiomyopathy with complex genotype (PMID: 31110529) and classified as Class III of pathogenicity (VUS). In accordance with ACMG(2015) this variant is classified as Variant of Uncertain Significance (VUS) with following criteria selected: PM2.

Fulgent Genetics
Classification: Uncertain significance for Hypertrophic cardiomyopathy 16. Last evaluated: 2022-02-15. Review status: criteria provided, single submitter. Criteria: ACMG Guidelines, 2015. Collection method: clinical testing. Allele origin: unknown.

Ambry Genetics
Classification: Uncertain significance for Cardiovascular phenotype. Last evaluated: 2021-01-05. Review status: criteria provided, single submitter. Criteria: Ambry Variant Classification Scheme 2023. Collection method: clinical testing. Allele origin: germline.
Comment: The p.R115* variant (also known as c.343C>T), located in coding exon 3 of the MYOZ2 gene, results from a C to T substitution at nucleotide position 343. This changes the amino acid from an arginine to a stop codon within coding exon 3. This alteration is expected to result in premature protein truncation or nonsense-mediated mRNA decay. However, loss of function of MYOZ2 has not been clearly established as a mechanism of disease. Since supporting evidence is limited at this time, the clinical significance of this alteration remains unclear.

Stanford Center for Inherited Cardiovascular Disease, Stanford University
Classification: Uncertain significance. Review status: criteria provided, single submitter. Criteria: ACMG Guidelines, 2015. Collection method: provider interpretation. Allele origin: germline.

Literature cited by the submitters: PubMed 31110529 (cited by Labcorp Genetics (formerly Invitae), Labcorp and Petrovsky National Research Centre of Surgery, The Federal Agency for Scientific Organizations).